The following is an entry in ClinVar:

NM_022124.6(CDH23):c.5256dup (p.Glu1753Ter)

Gene: CDH23 (cadherin related 23; plus strand). Cytogenetic location: 10q22.1.
Variant type: Duplication.
Coding change: c.5256dup on transcript NM_022124.6 (MANE Select); coding-DNA position 5256, one base duplicated (T; older notation c.5256dupT).
Protein change: p.Glu1753Ter; replaces glutamic acid 1753 with a stop codon.
Molecular consequence: nonsense.
Genome position (GRCh38, 1-based): chr10:71,779,335, T duplicated; the last of 3 consecutive T bases (chr10:71,779,333-71,779,335); duplicating any one gives the same sequence. VCF-style (leftmost placement, unchanged base first): chr10-71779332-A-AT. GRCh37 (hg19) VCF-style: chr10-73539089-A-AT.
Other names: short protein forms E1753*.
Identifiers: ClinVar variation 3377178 (VCV003377178.2).

ClinVar aggregate classification (germline): Pathogenic/Likely pathogenic. Review status: criteria provided, multiple submitters, no conflicts (2 of 4 stars). 2 submissions from 2 submitters: Pathogenic (1); Likely pathogenic (1). Last evaluated 2024-10-10.

Conditions:
Pituitary adenoma 5, multiple types. Identifiers: MedGen C4539685, MONDO:0054601, OMIM 617540.
Autosomal recessive nonsyndromic hearing loss 12. Also called: DEAFNESS, AUTOSOMAL RECESSIVE 12. Identifiers: Orphanet 90636, MedGen C1832394, MONDO:0011067, OMIM 601386.
Usher syndrome type 1D (USH1D). Also called: USHER SYNDROME, TYPE ID. Identifiers: Orphanet 231169, Orphanet 886, MedGen C1832845, MONDO:0010984, OMIM 601067.

Submissions (2):

Victorian Clinical Genetics Services, Murdoch Childrens Research Institute
Classification: Pathogenic for Usher syndrome type 1D. Last evaluated: 2024-10-10. Review status: criteria provided, single submitter. Criteria: ACMG Guidelines, 2015. Collection method: clinical testing. Allele origin: germline. Inheritance: Autosomal recessive inheritance.
Comment: Based on the classification scheme VCGS_Germline_v1.3.5, this variant is classified as Pathogenic. Following criteria are met: 0102 - Loss of function is a known mechanism of disease in this gene and is associated with deafness 12 (MIM#601386) and Usher syndrome, type 1D/F (MIM#601067). (I) 0106 - This gene is associated with autosomal recessive disease. (I) 0202 - Variant is predicted to cause nonsense-mediated decay (NMD) and loss of protein (premature termination codon is located at least 54 nucleotides upstream of the final exon-exon junction), but is located in an exon that may undergo alternative splicing. (SP) 0251 - This variant is heterozygous. (I) 0301 - Variant is absent from gnomAD (v2, v3 and v4). (SP) 0701 - Other NMD-predicted variants comparable to the one identified in this case have very strong previous evidence for pathogenicity (DECIPHER). (SP) 0807 - This variant has no previous evidence of pathogenicity. (I) 0905 - No published segregation evidence has been identified for this variant. (I) 1007 - No published functional evidence has been identified for this variant. (I) Legend: (SP) - Supporting pathogenic, (I) - Information, (SB) - Supporting benign

Fulgent Genetics
Classification: Likely pathogenic for Usher syndrome type 1D; Autosomal recessive nonsyndromic hearing loss 12; Pituitary adenoma 5, multiple types. Last evaluated: 2024-06-11. Review status: criteria provided, single submitter. Criteria: ACMG Guidelines, 2015. Collection method: clinical testing. Allele origin: germline.